The following is an entry in ClinVar:

NM_001377405.1(ATXN7):c.2137C>T (p.Leu713=)

Gene: ATXN7 (ataxin 7; plus strand). Cytogenetic location: 3p14.1.
Variant type: single nucleotide variant.
Coding change: c.2137C>T on transcript NM_001377405.1 (MANE Select); coding-DNA position 2137, C replaced by T.
Protein change: p.Leu713=; no amino-acid change (leucine 713 retained).
Molecular consequence: synonymous variant.
Genome position (GRCh38, 1-based): chr3:63,995,959, C>T. VCF-style: chr3-63995959-C-T. GRCh37 (hg19) VCF-style: chr3-63981635-C-T.
Other names: c.2137C>T, p.Leu713= (NM_000333.4, NM_001177387.1, NM_001377406.1); c.1702C>T, p.Leu568= (NM_001128149.3).
Identifiers: ClinVar variation 128516 (VCV000128516.7), dbSNP rs3733125, ClinGen allele CA152017.

ClinVar aggregate classification (germline): Benign. Review status: criteria provided, single submitter (1 of 4 stars). 2 submissions from 2 submitters: Benign (1). 1 of the submissions does not count toward it.

Allele frequency attached by ClinVar (database versions not stated): ESP Exome Variant Server 0.07535; TOPMed 0.07556; 1000 Genomes Project 30x 0.08760; 1000 Genomes Project 0.09046; gnomAD exomes 0.09663; ExAC 0.09678; gnomAD 0.10687.
gnomAD v4.1: 161,479 of 1,614,036 alleles (10%); highest among the groups gnomAD compares: East Asian, 23%; 9,077 homozygotes.

Submissions (2):

Breakthrough Genomics
Classification: Benign. Review status: criteria provided, single submitter. Criteria: ACMG Guidelines, 2015. Collection method: not provided. Allele origin: germline. Inheritance: Autosomal dominant inheritance. Affected: yes.

Genetic Services Laboratory, University of Chicago
Classification: Likely benign for AllHighlyPenetrant. Review status: no assertion criteria provided. Collection method: clinical testing. Allele origin: germline. Inheritance: Autosomal dominant inheritance. Not counted in ClinVar's aggregate classification.
Comment: Likely benign based on allele frequency in 1000 Genomes Project or ESP global frequency and its presence in a patient with a rare or unrelated disease phenotype. NOT Sanger confirmed.